The following is an entry in ClinVar:

NM_001267550.2(TTN):c.89197+2T>G

Genes: TTN (titin; minus strand), TTN-AS1 (TTN antisense RNA 1; plus strand). Cytogenetic location: 2q31.2.
Variant type: single nucleotide variant.
Coding change: c.89197+2T>G on transcript NM_001267550.2 (MANE Select); the canonical splice donor site of the intron after coding-DNA position 89197, T replaced by G.
Molecular consequence: splice donor variant.
Genome position (GRCh38, 1-based): chr2:178,553,912, A>C on the plus strand (T>G on the coding strand, the complement: TTN is on the minus strand). VCF-style: chr2-178553912-A-C. GRCh37 (hg19) VCF-style: chr2-179418639-A-C.
Other names: c.62002+2T>G (NM_003319.4); c.62578+2T>G (NM_133437.4); c.62377+2T>G (NM_133432.3); c.81493+2T>G (NM_133378.4); c.84274+2T>G (NM_001256850.1).
Identifiers: ClinVar variation 642902 (VCV000642902.14), dbSNP rs1575536935, ClinGen allele CA349520232.
Genomic context (GRCh38, chr2:178,553,912, plus strand): 5'-ATTTAGTCACACAGGTGAATATAGAAGACACAGGTGAAGATGCTGCAGGTATGAGCACTT[A>C]CCAATAGGATCAGCAGCTTTGTAGAATTCAGATGGTTCAGAAAATGGACCCTGTCCAGCA-3'

ClinVar aggregate classification (germline): Pathogenic/Likely pathogenic. Review status: criteria provided, multiple submitters, no conflicts (2 of 4 stars). 3 submissions from 3 submitters: Pathogenic (1); Likely pathogenic (2). Last evaluated 2026-08-12.

Conditions:
Autosomal recessive limb-girdle muscular dystrophy type 2J (LGMDR10). Also called: Limb-girdle muscular dystrophy, type 2J; MUSCULAR DYSTROPHY, LIMB-GIRDLE, AUTOSOMAL RECESSIVE 10. Identifiers: Orphanet 140922, MedGen C1837342, MONDO:0012127, OMIM 608807.
Dilated cardiomyopathy 1G (CMD1G). Identifiers: Orphanet 154, MedGen C1858763, MONDO:0011400, OMIM 604145.
Cardiovascular phenotype. Identifiers: MedGen CN230736.

Submissions (3):

Ambry Genetics
Classification: Likely pathogenic for Cardiovascular phenotype. Last evaluated: 2026-08-12. Review status: criteria provided, single submitter. Criteria: Ambry Variant Classification Scheme 2023. Collection method: clinical testing. Allele origin: germline.
Comment: The c.62002+2T>G intronic variant results from a T to G substitution two nucleotides after coding exon 160 in the TTN gene. This exon is located in the A-band region of the N2-B isoform of the titin protein and is constitutively expressed in TTN transcripts (percent spliced in or PSI 100%). This variant was reported in individual(s) with features consistent with dilated cardiomyopathy (DCM) (Hey TM et al. Circ Heart Fail, 2020 Oct;13:e006701; Ambry internal data). Variants that disrupt the canonical splice site are expected to result in aberrant splicing. In silico splice site analysis predicts that this alteration will weaken the native splice donor site. A resulting transcript is predicted to be in-frame and is not expected to trigger nonsense-mediated mRNAdecay; although, direct evidence is unavailable. This nucleotide position is highly conserved in available vertebrate species. This variant is considered to be rare based on population cohorts in the Genome Aggregation Database (gnomAD). Based on the majority of available evidence to date, this variant is likely to be pathogenic.

Victorian Clinical Genetics Services, Murdoch Childrens Research Institute
Classification: Likely pathogenic for Dilated cardiomyopathy 1G. Last evaluated: 2025-05-13. Review status: criteria provided, single submitter. Criteria: ACMG Guidelines, 2015. Collection method: clinical testing. Allele origin: germline. Affected: yes.
Comment: This variant is classified as Likely pathogenic. Evidence in support of pathogenic classification: Canonical splice site variant without proven consequence on splicing (no functional evidence available); Variant is absent from gnomAD (v2, v3 and v4); This variant has limited previous evidence of pathogenicity in unrelated individual(s). It has been reported as pathogenic by a clinical testing laboratory (ClinVar). In addition, it has been reported in the literature in multiple individuals with dilated cardiomyopathy; however, it is unclear whether the individuals were related to each other (PMIDs: 33106378, 25163546, 33019804). This variant has also been reported in two unaffected individuals (PMID: 33019804); Other splice site variant(s) comparable to the one identified in this case have moderate previous evidence for pathogenicity. c.89197+1G>C has been classified as likely pathogenic/pathogenic by multiple clinical testing laboratories (ClinVar). c.89197+1G>T has been reported in an individual with dilated cardiomyopathy (PMID: 38612618); Abnormal splicing is predicted by in silico tool and affected nucleotide is highly conserved. Additional information: This variant is heterozygous; This gene is associated with both recessive and dominant disease (OMIM); Alternative nucleotide change(s) at the same canonical splice site are present in gnomAD (Highest alelle count: v4: 2 heterozygote(s), 0 homozygote(s)) ; No published functional evidence has been identified for this variant; The closest exon is located in the annotated A-band and the exon has a PSI score of 100% (PMID: 25589632); Loss of function is a known mechanism of disease in this gene. In addition, dominant negative is also a suggested mechanism (PMID: 25589632); The condition associated with this gene has incomplete penetrance. Variants in this gene that result in a premature termination codon (PTC) are known to have reduced penetrance in DCM (PMID: 25589632); Inheritance information for this variant is not currently available in this individual.

Labcorp Genetics (formerly Invitae), Labcorp
Classification: Pathogenic for Dilated cardiomyopathy 1G; Autosomal recessive limb-girdle muscular dystrophy type 2J. Last evaluated: 2024-04-30. Review status: criteria provided, single submitter. Criteria: Invitae Variant Classification Sherloc (09022015). Collection method: clinical testing. Allele origin: germline.
Comment: This sequence change affects a donor splice site in intron 333 of the TTN gene. It is expected to disrupt RNA splicing and likely results in a truncated or disrupted TTN protein. This variant is not present in population databases (gnomAD no frequency). Disruption of this splice site has been observed in individuals with dilated cardiomyopathy (PMID: 25163546, 32964742, 33019804, 33106378, 33874732). This variant is also known as c.81493+2T>G. ClinVar contains an entry for this variant (Variation ID: 642902). Algorithms developed to predict the effect of sequence changes on RNA splicing suggest that this variant may disrupt the consensus splice site. This variant is located in the A band of TTN (PMID: 25589632). Truncating variants in this region are significantly overrepresented in patients affected with dilated cardiomyopathy (PMID: 25589632). Truncating variants in this region have also been reported in individuals affected with autosomal recessive centronuclear myopathy (PMID: 23975875). For these reasons, this variant has been classified as Pathogenic.

Literature cited by the submitters: PubMed 25163546 (cited by 3 submitters); PubMed 33019804 (cited by 3 submitters); PubMed 25589632 (cited by Victorian Clinical Genetics Services, Murdoch Childrens Research Institute and Labcorp Genetics (formerly Invitae), Labcorp); PubMed 38612618 (cited by Victorian Clinical Genetics Services, Murdoch Childrens Research Institute); PubMed 33106378 (cited by Victorian Clinical Genetics Services, Murdoch Childrens Research Institute and Labcorp Genetics (formerly Invitae), Labcorp); PubMed 32964742 (cited by Labcorp Genetics (formerly Invitae), Labcorp); PubMed 33874732 (cited by Labcorp Genetics (formerly Invitae), Labcorp); PubMed 23975875 (cited by Labcorp Genetics (formerly Invitae), Labcorp).